The following is an entry in ClinVar:

ClinVar aggregate classification (germline): Uncertain significance (1 of 4 stars; one submission).

Submission:

GeneDx
Classification: Uncertain significance. Last evaluated: 2014-04-16. Review status: criteria provided, single submitter. Criteria: GeneDx Variant Classification (06012015). Collection method: clinical testing. Allele origin: germline. Affected: yes.
Comment: Missense variants in the TTN gene are considered 'unclassified' if they are not previously reported in the literature and do not have >1% frequency in the population to be considered a polymorphism. Research indicates that truncating mutations in the TTN gene are expected to account for approximately 25% of familial and 18% of sporadic idiopathic DCM; however, truncating variants in the TTN gene have been reported in approximately 3% of reported control alleles. There has been little investigation into non-truncating variants. (Herman D et al. Truncations of titin causing dilated cardiomyopathy. N Eng J Med 366:619-628, 2012) The variant is found in DCM-CRDM panel(s).

NM_001267550.2(TTN):c.4130G>A (p.Gly1377Glu)

Genes: TTN (titin; minus strand), LOC101927055 (uncharacterized LOC101927055; plus strand). Cytogenetic location: 2q31.2.
Variant type: single nucleotide variant.
Coding change: c.4130G>A on transcript NM_001267550.2 (MANE Select); coding-DNA position 4130, G replaced by A.
Protein change: p.Gly1377Glu; replaces glycine 1377 with glutamic acid.
Molecular consequence: missense variant.
Genome position (GRCh38, 1-based): chr2:178,778,952, C>T on the plus strand (G>A on the coding strand, the complement: TTN is on the minus strand). VCF-style: chr2-178778952-C-T. GRCh37 (hg19) VCF-style: chr2-179643679-C-T.
Other names: p.G1377E:GGG>GAG; c.3992G>A, p.Gly1331Glu (NM_003319.4, NM_133432.3, NM_133437.4); c.4130G>A, p.Gly1377Glu (NM_133378.4, NM_133379.5, NM_001256850.1); short protein forms G1377E, G1331E.
Identifiers: ClinVar variation 203124 (VCV000203124.2), dbSNP rs794729573, ClinGen allele CA311324.